The following is an entry in ClinVar:

ClinVar aggregate classification (germline): Uncertain significance (0 of 4 stars; one submission).

Conditions:
Thrombophilia due to protein S deficiency, autosomal dominant (THPH5). Identifiers: Orphanet 26349, Orphanet 743, MedGen C3278211, MONDO:0012868, OMIM 612336. Disease mechanism: loss of function.

Submission:

Department of Transfusion Medicine and Hemostaseology, University Hospital Erlangen
Classification: Uncertain significance for Thrombophilia due to protein S deficiency, autosomal dominant. Last evaluated: 2025-09-01. Review status: no assertion criteria provided. Collection method: clinical testing. Allele origin: germline.
Comment: This variant was identified during a screening of patients with suspected hereditary Protein S deficiency. It has been described insufficiently in the literature as correlating with protein S deficiency (PMID: 22261441) and has not been characterized in vitro. No allele frequency is reported in dbSNP. Several in silico variant effect prediction tools (PolyPhen-2, SIFT, AlphaMissense) classify this variant as likely benign. Taken together, we classified this variant as of uncertain significance.

Literature cited by the submitters: PubMed 22261441.

NM_000313.4(PROS1):c.1676T>C (p.Ile559Thr)

Gene: PROS1 (protein S; minus strand). Cytogenetic location: 3q11.1.
Variant type: single nucleotide variant.
Coding change: c.1676T>C on transcript NM_000313.4 (MANE Select); coding-DNA position 1676, T replaced by C.
Protein change: p.Ile559Thr; replaces isoleucine 559 with threonine.
Molecular consequence: missense variant.
Genome position (GRCh38, 1-based): chr3:93,877,160, A>G on the plus strand (T>C on the coding strand, the complement: PROS1 is on the minus strand). VCF-style: chr3-93877160-A-G. GRCh37 (hg19) VCF-style: chr3-93596004-A-G.
Other names: c.1772T>C, p.Ile591Thr (NM_001314077.2); short protein forms I559T, I591T.
Identifiers: ClinVar variation 4529452 (VCV004529452.1).